The following is an entry in ClinVar:

ClinVar aggregate classification (germline): Likely benign. Review status: criteria provided, multiple submitters, no conflicts (2 of 4 stars). 2 submissions from 2 submitters: Likely benign (2). Last evaluated 2024-05-28.

Conditions:
Familial cancer of breast. Also called: Hereditary breast cancer; hereditary breast carcinoma; BREAST CANCER, FAMILIAL. Identifiers: Orphanet 227535, MedGen C0346153, MONDO:0016419, OMIM 114480. Disease mechanism: loss of function.
Ataxia-telangiectasia syndrome (AT). Also called: Ataxia telangiectasia (A-T); LOUIS-BAR SYNDROME; Cerebello-oculocutaneous telangiectasia; Immunodeficiency with ataxia telangiectasia; Ataxia-telangiectasia, complementation group D; AT, COMPLEMENTATION GROUP C. Identifiers: Orphanet 100, MedGen C0004135, MONDO:0008840, OMIM 208900.

Allele frequency attached by ClinVar (database versions not stated): gnomAD exomes below 0.00001.

Submissions (2):

Myriad Genetics, Inc.
Classification: Likely benign for Familial cancer of breast. Last evaluated: 2024-05-28. Review status: criteria provided, single submitter. Criteria: Myriad Autosomal Dominant, Autosomal Recessive and X-Linked Classification Criteria (2023). Collection method: clinical testing. Allele origin: unknown.
Comment: This variant is considered likely benign. This variant is intronic and is not expected to impact mRNA splicing.

Labcorp Genetics (formerly Invitae), Labcorp
Classification: Likely benign for Ataxia-telangiectasia syndrome. Last evaluated: 2021-05-07. Review status: criteria provided, single submitter. Criteria: Invitae Variant Classification Sherloc (09022015). Collection method: clinical testing. Allele origin: germline.

NM_000051.4(ATM):c.5919-18_5919-15dup

Genes: ATM (ATM serine/threonine kinase; plus strand), C11orf65 (chromosome 11 open reading frame 65; minus strand). Cytogenetic location: 11q22.3.
Variant type: Duplication.
Coding change: c.5919-18_5919-15dup on transcript NM_000051.4 (MANE Select); 18 bases into the intron before coding-DNA position 5919 through 15 bases into the intron before coding-DNA position 5919, 4 bases duplicated (TGTT; older notation c.5919-18_5919-15dupTGTT).
Molecular consequence: intron variant.
Genome position (GRCh38, 1-based): chr11:108,312,393-108,312,396, TGTT duplicated. VCF-style (leftmost placement, unchanged base first): chr11-108312392-G-GTGTT. GRCh37 (hg19) VCF-style: chr11-108183119-G-GTGTT.
Other names: c.5919-18_5919-15dup (NM_001351834.2); c.641-3325_641-3322dup (NM_001330368.2); c.*39-3325_*39-3322dup (NM_001351110.2).
Identifiers: ClinVar variation 1656745 (VCV001656745.10), dbSNP rs2136057696, ClinGen allele CA2573146424.
Genomic context (GRCh38, chr11:108,312,392, plus strand): 5'-GTCAAAGTCTATAGTATATGTATTCAGGAGCTTCCAAATAGTATGTTCTCATTAAAAGAG[G>GTGTT]TGTTCTTGTGACAAACAGAAGTCTTGCATTTGAAGAAGGAAGCCAGAGTACAACTATTTC-3'